The following is an entry in ClinVar:

ClinVar aggregate classification (germline): Uncertain significance (1 of 4 stars; one submission).

Conditions:
Craniolenticulosutural dysplasia (CLSD). Also called: BOYADJIEV-JABS SYNDROME. Identifiers: Orphanet 50814, MedGen C1843042, MONDO:0011911, OMIM 607812.

Submission:

Labcorp Genetics (formerly Invitae), Labcorp
Classification: Uncertain significance for Craniolenticulosutural dysplasia. Last evaluated: 2024-10-29. Review status: criteria provided, single submitter. Criteria: Invitae Variant Classification Sherloc (09022015). Collection method: clinical testing. Allele origin: germline.
Comment: This sequence change replaces asparagine, which is neutral and polar, with histidine, which is basic and polar, at codon 502 of the SEC23A protein (p.Asn502His). This variant is not present in population databases (gnomAD no frequency). This variant has not been reported in the literature in individuals affected with SEC23A-related conditions. An algorithm developed to predict the effect of missense changes on protein structure and function (PolyPhen-2) suggests that this variant is likely to be tolerated. Algorithms developed to predict the effect of sequence changes on RNA splicing suggest that this variant may disrupt the consensus splice site. In summary, the available evidence is currently insufficient to determine the role of this variant in disease. Therefore, it has been classified as a Variant of Uncertain Significance.

NM_006364.4(SEC23A):c.1504A>C (p.Asn502His)

Gene: SEC23A (SEC23 homolog A, COPII component; minus strand). Cytogenetic location: 14q21.1.
Variant type: single nucleotide variant.
Coding change: c.1504A>C on transcript NM_006364.4 (MANE Select); coding-DNA position 1504, A replaced by C.
Protein change: p.Asn502His; replaces asparagine 502 with histidine.
Molecular consequence: missense variant.
Genome position (GRCh38, 1-based): chr14:39,061,766, T>G on the plus strand (A>C on the coding strand, the complement: SEC23A is on the minus strand). VCF-style: chr14-39061766-T-G. GRCh37 (hg19) VCF-style: chr14-39530970-T-G.
Other names: short protein forms N502H.
Identifiers: ClinVar variation 2819912 (VCV002819912.3), dbSNP rs1196675541, ClinGen allele CA389534435.
Genomic context (GRCh38, chr14:39,061,766, plus strand): 5'-GGAAACACAACCCAGATACCTGTGATATGAAAATCAAATCTCTAACAAATACAACTTACT[T>G]CCTAGCAATGGTGGTCACTCGGATGCGTCTCTGCCCACTTGAATGCTGATACTGAGTCAC-3'
Protein context (NP_006355.2, residues 492-512): RRIRVTTIAR[Asn502His]WADAQTQIQN